The following is an entry in ClinVar:

ClinVar aggregate classification (germline): Uncertain significance (1 of 4 stars; one submission).

Conditions:
Severe early-onset pulmonary alveolar proteinosis due to MARS deficiency. Also called: PULMONARY ALVEOLAR PROTEINOSIS, REUNION ISLAND; Interstitial lung and liver disease. Identifiers: Orphanet 440427, MedGen C4225400, MONDO:0014206, OMIM 615486.
Charcot-Marie-Tooth disease axonal type 2U. Also called: CHARCOT-MARIE-TOOTH NEUROPATHY, TYPE 2U; CHARCOT-MARIE-TOOTH DISEASE, AXONAL, AUTOSOMAL DOMINANT, TYPE 2U. Identifiers: Orphanet 397735, MedGen C4084821, MONDO:0014566, OMIM 616280.

Submission:

Labcorp Genetics (formerly Invitae), Labcorp
Classification: Uncertain significance for Charcot-Marie-Tooth disease axonal type 2U; Severe early-onset pulmonary alveolar proteinosis due to MARS deficiency. Last evaluated: 2022-06-11. Review status: criteria provided, single submitter. Criteria: Invitae Variant Classification Sherloc (09022015). Collection method: clinical testing. Allele origin: germline.
Comment: In summary, the available evidence is currently insufficient to determine the role of this variant in disease. Therefore, it has been classified as a Variant of Uncertain Significance. Algorithms developed to predict the effect of missense changes on protein structure and function (SIFT, PolyPhen-2, Align-GVGD) all suggest that this variant is likely to be disruptive. This variant has not been reported in the literature in individuals affected with MARS-related conditions. This variant is not present in population databases (gnomAD no frequency). This sequence change replaces leucine, which is neutral and non-polar, with proline, which is neutral and non-polar, at codon 424 of the MARS protein (p.Leu424Pro).

NM_004990.4(MARS1):c.1271T>C (p.Leu424Pro)

Gene: MARS1 (methionyl-tRNA synthetase 1; plus strand). Cytogenetic location: 12q13.3.
Variant type: single nucleotide variant.
Coding change: c.1271T>C on transcript NM_004990.4 (MANE Select); coding-DNA position 1271, T replaced by C.
Protein change: p.Leu424Pro; replaces leucine 424 with proline.
Molecular consequence: missense variant.
Genome position (GRCh38, 1-based): chr12:57,500,500, T>C. VCF-style: chr12-57500500-T-C. GRCh37 (hg19) VCF-style: chr12-57894283-T-C.
Other names: short protein forms L424P.
Identifiers: ClinVar variation 2004100 (VCV002004100.4), dbSNP rs2540291184, ClinGen allele CA385458489.